The following is an entry in ClinVar:

NM_001007553.3(CSDE1):c.2002T>C (p.Tyr668His)

Gene: CSDE1 (cold shock domain containing E1; minus strand). Cytogenetic location: 1p13.2.
Variant type: single nucleotide variant.
Coding change: c.2002T>C on transcript NM_001007553.3 (MANE Select); coding-DNA position 2002, T replaced by C.
Protein change: p.Tyr668His; replaces tyrosine 668 with histidine.
Molecular consequence: missense variant.
Genome position (GRCh38, 1-based): chr1:114,720,589, A>G on the plus strand (T>C on the coding strand, the complement: CSDE1 is on the minus strand). VCF-style: chr1-114720589-A-G. GRCh37 (hg19) VCF-style: chr1-115263210-A-G.
Other names: c.2047T>C, p.Tyr683His (NM_001130523.3); c.2140T>C, p.Tyr714His (NM_001242891.2); c.2002T>C, p.Tyr668His (NM_001242892.2); c.1909T>C, p.Tyr637His (NM_001242893.2, NM_007158.6); short protein forms Y683H, Y714H, Y668H, Y637H.
Identifiers: ClinVar variation 3730973 (VCV003730973.1).

ClinVar aggregate classification (germline): Uncertain significance (1 of 4 stars; one submission).

Submission:

GeneDx
Classification: Uncertain significance. Last evaluated: 2024-08-12. Review status: criteria provided, single submitter. Criteria: GeneDx Variant Classification Process June 2021. Collection method: clinical testing. Allele origin: germline. Affected: yes.
Comment: Not observed at significant frequency in large population cohorts (gnomAD); In silico analysis indicates that this missense variant does not alter protein structure/function; Has not been previously published as pathogenic or benign to our knowledge